The following is an entry in ClinVar:

NM_014629.4(ARHGEF10):c.194-3del

Gene: ARHGEF10 (Rho guanine nucleotide exchange factor 10; plus strand). Cytogenetic location: 8p23.3.
Variant type: Deletion.
Coding change: c.194-3del on transcript NM_014629.4 (MANE Select); 3 bases into the intron before coding-DNA position 194, one base deleted (C; older notation c.194-3delC).
Molecular consequence: intron variant.
Genome position (GRCh38, 1-based): chr8:1,859,894, C deleted; the last of 4 consecutive C bases (chr8:1,859,891-1,859,894); deleting any one gives the same sequence. VCF-style (leftmost placement, unchanged base first): chr8-1859890-TC-T. GRCh37 (hg19) VCF-style: chr8-1808056-TC-T.
Other names: c.194-3del (NM_014629.3, NM_001438092.1, NM_001438091.1 and 4 more transcripts).
Identifiers: ClinVar variation 722090 (VCV000722090.33), dbSNP rs150504513, ClinGen allele CA4599685.

ClinVar aggregate classification (germline): Benign. Review status: criteria provided, multiple submitters, no conflicts (2 of 4 stars). 2 submissions from 2 submitters: Benign (2). Last evaluated 2025-12-01.

Submissions (2):

Labcorp Genetics (formerly Invitae), Labcorp
Classification: Benign. Last evaluated: 2025-12-01. Review status: criteria provided, single submitter. Criteria: Invitae Variant Classification Sherloc (09022015). Collection method: clinical testing. Allele origin: germline.

CeGaT Center for Human Genetics Tuebingen
Classification: Benign. Last evaluated: 2022-07-01. Review status: criteria provided, single submitter. Criteria: CeGaT Center For Human Genetics Tuebingen Variant Classification Criteria Version 2. Collection method: clinical testing. Allele origin: germline. Affected: yes. Observed: 1 variant allele.
Comment: ARHGEF10: BS1, BS2